The following is an entry in ClinVar:

ClinVar aggregate classification (germline): Uncertain significance (1 of 4 stars; one submission).

Allele frequency attached by ClinVar (database versions not stated): gnomAD exomes below 0.00001; TOPMed below 0.00001.

Submission:

Labcorp Genetics (formerly Invitae), Labcorp
Classification: Uncertain significance. Last evaluated: 2022-02-18. Review status: criteria provided, single submitter. Criteria: Invitae Variant Classification Sherloc (09022015). Collection method: clinical testing. Allele origin: germline.
Comment: In summary, the available evidence is currently insufficient to determine the role of this variant in disease. Therefore, it has been classified as a Variant of Uncertain Significance. Algorithms developed to predict the effect of missense changes on protein structure and function (SIFT, PolyPhen-2, Align-GVGD) all suggest that this variant is likely to be tolerated. This variant has not been reported in the literature in individuals affected with AP3B2-related conditions. This variant is not present in population databases (gnomAD no frequency). This sequence change replaces phenylalanine, which is neutral and non-polar, with serine, which is neutral and polar, at codon 882 of the AP3B2 protein (p.Phe882Ser).

NM_001278512.2(AP3B2):c.2702T>C (p.Phe901Ser)

Genes: AP3B2 (adaptor related protein complex 3 subunit beta 2; minus strand), CPEB1-AS1 (CPEB1 antisense RNA 1; plus strand). Cytogenetic location: 15q25.2.
Variant type: single nucleotide variant.
Coding change: c.2702T>C on transcript NM_001278512.2 (MANE Select); coding-DNA position 2702, T replaced by C.
Protein change: p.Phe901Ser; replaces phenylalanine 901 with serine.
Molecular consequence: missense variant.
Genome position (GRCh38, 1-based): chr15:82,662,825, A>G on the plus strand (T>C on the coding strand, the complement: AP3B2 is on the minus strand). VCF-style: chr15-82662825-A-G. GRCh37 (hg19) VCF-style: chr15-83331577-A-G.
Other names: c.2549T>C, p.Phe850Ser (NM_001278511.2); c.2645T>C, p.Phe882Ser (NM_004644.5); short protein forms F850S, F901S, F882S.
Identifiers: ClinVar variation 2060534 (VCV002060534.3), dbSNP rs1398775432, ClinGen allele CA393308706.
Genomic context (GRCh38, chr15:82,662,825, plus strand): 5'-GGGGTATCAGAGCTGTTGGAGAAGTGGATGTGCACGGACACCATGTGGGGATCCCCGGAG[A>G]AAGGTTGGCGGCTGAAGGTGTAGTCCACAGCCAGCCCCTCGCCAGCTACCCGGTGCAGCA-3'
Protein context (NP_001265441.1, residues 891-911): AVDYTFSRQP[Phe901Ser]SGDPHMVSVH